The following is an entry in ClinVar:

ClinVar aggregate classification (germline): Benign. Review status: criteria provided, multiple submitters, no conflicts (2 of 4 stars). 2 submissions from 2 submitters: Benign (2). Last evaluated 2018-06-19.

Allele frequency attached by ClinVar (database versions not stated): gnomAD exomes 0.16954; gnomAD 0.18011 and 0.18362; TOPMed 0.18291; 1000 Genomes Project 30x 0.23376; 1000 Genomes Project 0.23922.
gnomAD v4.1: 253,781 of 1,482,972 alleles (17%); highest among the groups gnomAD compares: East Asian, 47%; 24,091 homozygotes.

Submissions (2):

GeneDx
Classification: Benign. Last evaluated: 2018-06-19. Review status: criteria provided, single submitter. Criteria: GeneDx Variant Classification (06012015). Collection method: clinical testing. Allele origin: germline. Affected: yes.
Comment: This variant is considered likely benign or benign based on one or more of the following criteria: it is a conservative change, it occurs at a poorly conserved position in the protein, it is predicted to be benign by multiple in silico algorithms, and/or has population frequency not consistent with disease.

Breakthrough Genomics
Classification: Benign. Review status: criteria provided, single submitter. Criteria: ACMG Guidelines, 2015. Collection method: not provided. Allele origin: germline. Inheritance: Autosomal dominant inheritance. Affected: yes.

NM_000744.7(CHRNA4):c.77-90C>T

Gene: CHRNA4 (cholinergic receptor nicotinic alpha 4 subunit; minus strand). Cytogenetic location: 20q13.33.
Variant type: single nucleotide variant.
Coding change: c.77-90C>T on transcript NM_000744.7 (MANE Select); 90 bases into the intron before coding-DNA position 77, C replaced by T.
Molecular consequence: intron variant.
Genome position (GRCh38, 1-based): chr20:63,359,789, G>A on the plus strand (C>T on the coding strand, the complement: CHRNA4 is on the minus strand). VCF-style: chr20-63359789-G-A. GRCh37 (hg19) VCF-style: chr20-61991141-G-A.
Other names: c.-470-90C>T (NM_001256573.2).
Identifiers: ClinVar variation 670758 (VCV000670758.2), dbSNP rs3818204, ClinGen allele CA14792606.